The following is an entry in ClinVar:

NM_005060.4(RORC):c.395C>G (p.Pro132Arg)

Gene: RORC (RAR related orphan receptor C; minus strand). Cytogenetic location: 1q21.3.
Variant type: single nucleotide variant.
Coding change: c.395C>G on transcript NM_005060.4 (MANE Select); coding-DNA position 395, C replaced by G.
Protein change: p.Pro132Arg; replaces proline 132 with arginine.
Molecular consequence: missense variant.
Genome position (GRCh38, 1-based): chr1:151,815,329, G>C on the plus strand (C>G on the coding strand, the complement: RORC is on the minus strand). VCF-style: chr1-151815329-G-C. GRCh37 (hg19) VCF-style: chr1-151787805-G-C.
Other names: c.332C>G, p.Pro111Arg (NM_001001523.2); short protein forms P132R, P111R.
Identifiers: ClinVar variation 1354070 (VCV001354070.6), dbSNP rs762477159, ClinGen allele CA1095927.
Genomic context (GRCh38, chr1:151,815,329, plus strand): 5'-CCCAAGGTGTAGGTGAGGGTATCTGCTCCTTGGGCCCCTGCTGGAGGGGTCTTGACCACT[G>C]GTTCCTGTTGCTGCTGTTGCCGCTGCTGCAGCTGTTTCTGCACTTCTGCATGCAGGCTGT-3'
Protein context (NP_005051.2, residues 122-142): LQQRQQQQQE[Pro132Arg]VVKTPPAGAQ

ClinVar aggregate classification (germline): Uncertain significance (1 of 4 stars; one submission).

Conditions:
Autosomal recessive mendelian susceptibility to mycobacterial diseases due to complete RORgamma receptor deficiency. Also called: Immunodeficiency 42. Identifiers: Orphanet 477857, MedGen C5567647, MONDO:0014710, OMIM 616622.

Allele frequency attached by ClinVar (database versions not stated): gnomAD exomes 0.00001; ExAC 0.00002; gnomAD 0.00004.
gnomAD v4.1: 28 of 1,601,194 alleles (0.0017%); highest among the groups gnomAD compares: Non-Finnish European, 0.0024%; no homozygotes.

Submission:

Labcorp Genetics (formerly Invitae), Labcorp
Classification: Uncertain significance for Autosomal recessive mendelian susceptibility to mycobacterial diseases due to complete RORgamma receptor deficiency. Last evaluated: 2022-06-27. Review status: criteria provided, single submitter. Criteria: Invitae Variant Classification Sherloc (09022015). Collection method: clinical testing. Allele origin: germline.
Comment: In summary, the available evidence is currently insufficient to determine the role of this variant in disease. Therefore, it has been classified as a Variant of Uncertain Significance. Algorithms developed to predict the effect of missense changes on protein structure and function (SIFT, PolyPhen-2, Align-GVGD) all suggest that this variant is likely to be tolerated. This variant has not been reported in the literature in individuals affected with RORC-related conditions. This variant is present in population databases (rs762477159, gnomAD 0.005%). This sequence change replaces proline, which is neutral and non-polar, with arginine, which is basic and polar, at codon 132 of the RORC protein (p.Pro132Arg).